The following is an entry in ClinVar:

NM_138422.4(ADAT3):c.739C>G (p.Leu247Val)

Genes: ADAT3 (adenosine deaminase tRNA specific 3; plus strand), SCAMP4 (secretory carrier membrane protein 4; plus strand). Cytogenetic location: 19p13.3.
Variant type: single nucleotide variant.
Coding change: c.739C>G on transcript NM_138422.4 (MANE Select); coding-DNA position 739, C replaced by G.
Protein change: p.Leu247Val; replaces leucine 247 with valine.
Molecular consequence: missense variant. On other transcripts: intron variant (3).
Genome position (GRCh38, 1-based): chr19:1,912,786, C>G. VCF-style: chr19-1912786-C-G. GRCh37 (hg19) VCF-style: chr19-1912785-C-G.
Other names: c.691C>G, p.Leu231Val (NM_001329533.2); c.-41-2193C>G (NM_079834.4, NM_001329540.2); c.-125-4908C>G (NM_001329539.2); short protein forms L247V, L231V.
Identifiers: ClinVar variation 3080672 (VCV003080672.2), dbSNP rs1196409855, ClinGen allele CA403172132.
Genomic context (GRCh38, chr19:1,912,786, plus strand): 5'-GGCCACGACTGCAGCTGCGCGGACAACCCCCTCCTGCACGCCGTCATGGTGTGCGTGGAC[C>G]TCGTGGCGCGCGGCCAGGGCCGCGGCACCTACGACTTCAGACCCTTCCCCGCCTGCTCCT-3'
Protein context (NP_612431.2, residues 237-257): LLHAVMVCVD[Leu247Val]VARGQGRGTY

ClinVar aggregate classification (germline): Uncertain significance. Review status: criteria provided, multiple submitters, no conflicts (2 of 4 stars). 2 submissions from 2 submitters: Uncertain significance (2). Last evaluated 2024-02-05.

Conditions:
Inborn genetic diseases. Identifiers: MedGen C0950123, MeSH D030342.

Allele frequency attached by ClinVar (database versions not stated): gnomAD 0.00001; gnomAD exomes 0.00001; 1000 Genomes Project 30x 0.00016.
gnomAD v4.1: 9 of 1,570,592 alleles (0.00057%); highest among the groups gnomAD compares: East Asian, 0.019%; no homozygotes.

Submissions (2):

GeneDx
Classification: Uncertain significance. Last evaluated: 2024-02-05. Review status: criteria provided, single submitter. Criteria: GeneDx Variant Classification Process June 2021. Collection method: clinical testing. Allele origin: germline. Affected: yes.
Comment: In silico analysis supports that this missense variant has a deleterious effect on protein structure/function; Has not been previously published as pathogenic or benign to our knowledge

Ambry Genetics
Classification: Uncertain significance for Inborn genetic diseases. Last evaluated: 2023-12-04. Review status: criteria provided, single submitter. Criteria: Ambry Variant Classification Scheme 2023. Collection method: clinical testing. Allele origin: germline.